The following is an entry in ClinVar:

ClinVar aggregate classification (germline): Uncertain significance (1 of 4 stars; one submission).

Submission:

Labcorp Genetics (formerly Invitae), Labcorp
Classification: Uncertain significance. Last evaluated: 2024-05-20. Review status: criteria provided, single submitter. Criteria: Invitae Variant Classification Sherloc (09022015). Collection method: clinical testing. Allele origin: germline.
Comment: This sequence change replaces threonine, which is neutral and polar, with serine, which is neutral and polar, at codon 612 of the CDH2 protein (p.Thr612Ser). This variant is not present in population databases (gnomAD no frequency). This variant has not been reported in the literature in individuals affected with CDH2-related conditions. An algorithm developed to predict the effect of missense changes on protein structure and function (PolyPhen-2) suggests that this variant is likely to be tolerated. In summary, the available evidence is currently insufficient to determine the role of this variant in disease. Therefore, it has been classified as a Variant of Uncertain Significance.

NM_001792.5(CDH2):c.1835C>G (p.Thr612Ser)

Gene: CDH2 (cadherin 2; minus strand). Cytogenetic location: 18q12.1.
Variant type: single nucleotide variant.
Coding change: c.1835C>G on transcript NM_001792.5 (MANE Select); coding-DNA position 1835, C replaced by G.
Protein change: p.Thr612Ser; replaces threonine 612 with serine.
Molecular consequence: missense variant.
Genome position (GRCh38, 1-based): chr18:27,985,668, G>C on the plus strand (C>G on the coding strand, the complement: CDH2 is on the minus strand). VCF-style: chr18-27985668-G-C. GRCh37 (hg19) VCF-style: chr18-25565632-G-C.
Other names: c.1742C>G, p.Thr581Ser (NM_001308176.2); short protein forms T581S, T612S.
Identifiers: ClinVar variation 2695239 (VCV002695239.3), dbSNP rs1288362921, ClinGen allele CA402107462.